The following is an entry in ClinVar:

ClinVar aggregate classification (germline): Likely pathogenic. Review status: criteria provided, single submitter (1 of 4 stars). 2 submissions from 2 submitters: Likely pathogenic (1). 1 of the submissions does not count toward it. Last evaluated 2025-11-13.

Conditions:
Metachromatic leukodystrophy (MLD). Also called: Cerebral sclerosis diffuse metachromatic form; Arylsulfatase A Deficiency; CEREBROSIDE SULFATASE DEFICIENCY; METACHROMATIC LEUKOENCEPHALOPATHY; SULFATIDE LIPIDOSIS; ARSA DEFICIENCY. Identifiers: Orphanet 512, MedGen C0023522, MONDO:0018868, OMIM 250100.

Submissions (3):

Natera, Inc.
Classification: Likely pathogenic for Metachromatic leukodystrophy. Last evaluated: 2025-11-13. Review status: criteria provided, single submitter. Criteria: Natera Variant Classification Schema (03/2026). Collection method: clinical testing. Allele origin: germline.
Comment: The c.1222A>G variant in ARSA is a missense variant predicted to cause substitution of serine to glycine at amino acid 408. This variant is rare in the general population with a frequency below the threshold expected for the associated phenotype(s). This variant has been observed in one or more individuals affected with the associated recessive disease, as either homozygous or compound heterozygous with a second variant (PMID: 33855715). Functional studies show that this variant may disrupt protein function (PMID: 19606494). Computational prediction algorithms indicate this variant is likely to affect gene or protein function. Given the available evidence, this variant is classified as Likely Pathogenic.

Gelb Laboratory, University of Washington
No classification provided (evidence only). Condition: Metachromatic leukodystrophy. Review status: no classification provided. Collection method: in vitro. Allele origin: not applicable. Functional consequence: loss of function. Not counted in ClinVar's aggregate classification.

UniProtKB/Swiss-Prot
No classification provided. Review status: no classification provided. Collection method: not provided. Allele origin: not provided. Not counted in ClinVar's aggregate classification.

Literature cited by the submitters: PubMed 33855715 (cited by Natera, Inc.); PubMed 19606494 (cited by Natera, Inc.).

NM_000487.6(ARSA):c.1222A>G (p.Ser408Gly)

Gene: ARSA (arylsulfatase A; minus strand). Cytogenetic location: 22q13.33.
Variant type: single nucleotide variant.
Coding change: c.1222A>G on transcript NM_000487.6 (MANE Select); coding-DNA position 1222, A replaced by G.
Protein change: p.Ser408Gly; replaces serine 408 with glycine.
Molecular consequence: missense variant.
Genome position (GRCh38, 1-based): chr22:50,625,453, T>C on the plus strand (A>G on the coding strand, the complement: ARSA is on the minus strand). VCF-style: chr22-50625453-T-C. GRCh37 (hg19) VCF-style: chr22-51063881-T-C.
Other names: c.1222A>G, p.Ser408Gly (NM_001085425.3, NM_001085426.3, NM_001085427.3); c.964A>G, p.Ser322Gly (NM_001085428.3, NM_001362782.2); short protein forms S408G, S322G.
Identifiers: ClinVar variation 68118 (VCV000068118.5), dbSNP rs199476361, ClinGen allele CA218992.